The following is an entry in ClinVar:

NM_002971.6(SATB1):c.1805_1806insACAGCAGCA (p.Gln607_Ala608insGlnGlnGln)

Gene: SATB1 (SATB homeobox 1; minus strand). Cytogenetic location: 3p24.3.
Variant type: Microsatellite.
Coding change: c.1805_1806insACAGCAGCA on transcript NM_002971.6 (MANE Select); coding-DNA positions 1805 to 1806, ACAGCAGCA inserted.
Protein change: p.Gln607_Ala608insGlnGlnGln.
Molecular consequence: inframe insertion.
Genome position: GRCh38 VCF-style: chr3-18349656-C-CTGCTGCTGT. GRCh37 (hg19) VCF-style: chr3-18391148-C-CTGCTGCTGT.
Other names: c.1805_1806insACAGCAGCA, p.Gln607_Ala608insGlnGlnGln (NM_001131010.4, NM_001322872.2, NM_001322873.2 and 2 more transcripts); c.1901_1902insACAGCAGCA, p.Gln639_Ala640insGlnGlnGln (NM_001195470.3, NM_001322871.2); c.1589_1590insACAGCAGCA, p.Gln535_Ala536insGlnGlnGln (NM_001322876.2).
Identifiers: ClinVar variation 5002804 (VCV005002804.1).

ClinVar aggregate classification (germline): Uncertain significance (1 of 4 stars; one submission).

Conditions:
Kohlschutter-Tonz syndrome-like. Also called: DEN HOED-DE BOER-VOISIN SYNDROME. Identifiers: MedGen C5543202, MONDO:0030990, OMIM 619229.

Submission:

OLLIN Analises Genomicas, OLLIN
Classification: Uncertain significance for Kohlschutter-Tonz syndrome-like. Last evaluated: 2026-08-06. Review status: criteria provided, single submitter. Criteria: ACMG Guidelines 2015 PMID 25741868. Collection method: clinical testing. Allele origin: germline. Inheritance: Autosomal dominant inheritance.
Comment: This in-frame duplication, located in exon 11 (of 11), is absent from gnomAD and ClinVar and has not been identified in the literature. This variant affects 0 amino acids without disrupting the reading frame. According to the currently available evidence, this variant has been classified as uncertain significance (PM2_P, BP3).